The following is an entry in ClinVar:

NC_000007.13:g.(?_107312563)_(107315574_?)dup

Gene: SLC26A4 (solute carrier family 26 member 4; plus strand). Cytogenetic location: 7q22.3.
Variant type: Duplication.
Identifiers: ClinVar variation 3245851 (VCV003245851.1).

ClinVar aggregate classification (germline): Likely pathogenic (1 of 4 stars; one submission).

Submission:

Labcorp Genetics (formerly Invitae), Labcorp
Classification: Likely pathogenic. Last evaluated: 2023-12-30. Review status: criteria provided, single submitter. Criteria: Invitae Variant Classification Sherloc (09022015). Collection method: clinical testing. Allele origin: unknown.
Comment: This variant results in a copy number gain of the genomic region encompassing exon(s) 4-6 of the SLC26A4 gene. While the exact position of this variant cannot be determined from the data, sub-genic copy number gains are generally in tandem (PMID: 25640679). This variant is predicted to be out-of-frame, and may result in an absent or disrupted protein product. Loss-of-function variants in SLC26A4 are known to be pathogenic (PMID: 16283880, 25394566, 26252218, 26445815). This variant has not been reported in the literature in individuals affected with SLC26A4-related conditions. In summary, the currently available evidence indicates that the variant is pathogenic, but additional data are needed to prove that conclusively. Therefore, this variant has been classified as Likely Pathogenic.

Literature cited by the submitters: PubMed 25640679; PubMed 16283880; PubMed 25394566; PubMed 26252218; PubMed 26445815.